The following is an entry in ClinVar:

NM_022168.4(IFIH1):c.1550C>G (p.Thr517Ser)

Gene: IFIH1 (interferon induced with helicase C domain 1; minus strand). Cytogenetic location: 2q24.2.
Variant type: single nucleotide variant.
Coding change: c.1550C>G on transcript NM_022168.4 (MANE Select); coding-DNA position 1550, C replaced by G.
Protein change: p.Thr517Ser; replaces threonine 517 with serine.
Molecular consequence: missense variant.
Genome position (GRCh38, 1-based): chr2:162,280,087, G>C on the plus strand (C>G on the coding strand, the complement: IFIH1 is on the minus strand). VCF-style: chr2-162280087-G-C. GRCh37 (hg19) VCF-style: chr2-163136597-G-C.
Other names: short protein forms T517S.
Identifiers: ClinVar variation 4791908 (VCV004791908.1).

ClinVar aggregate classification (germline): Uncertain significance (1 of 4 stars; one submission).

Conditions:
Aicardi-Goutieres syndrome 7 (AGS7). Identifiers: Orphanet 51, MedGen C3888244, MONDO:0014367, OMIM 615846.
Singleton-Merten syndrome 1 (SGMRT1). Also called: Widened medullary cavities of bone, aortic calcification, abnormal dentition, and muscular weakness; Syndrome of widened medullary cavities of the metacarpals and phalanges, aortic calcification and abnormal dentition. Identifiers: Orphanet 85191, MedGen C4225427, MONDO:0024535, OMIM 182250.

Submission:

Labcorp Genetics (formerly Invitae), Labcorp
Classification: Uncertain significance for Aicardi-Goutieres syndrome 7; Singleton-Merten syndrome 1. Last evaluated: 2025-10-23. Review status: criteria provided, single submitter. Criteria: Invitae Variant Classification Sherloc (09022015). Collection method: clinical testing. Allele origin: germline.
Comment: This sequence change replaces threonine, which is neutral and polar, with serine, which is neutral and polar, at codon 517 of the IFIH1 protein (p.Thr517Ser). This variant is not present in population databases (gnomAD no frequency). This variant has not been reported in the literature in individuals affected with IFIH1-related conditions. An algorithm developed to predict the effect of missense changes on protein structure and function outputs the following: PolyPhen-2: "Benign". The serine amino acid residue is found in multiple mammalian species, which suggests that this missense change does not adversely affect protein function. In summary, the available evidence is currently insufficient to determine the role of this variant in disease. Therefore, it has been classified as a Variant of Uncertain Significance.